The following is an entry in ClinVar:

ClinVar aggregate classification (germline): Uncertain significance (1 of 4 stars; one submission).

Conditions:
Hereditary cancer-predisposing syndrome. Also called: Hereditary Cancer Syndrome; Hereditary neoplastic syndrome; Neoplastic Syndromes, Hereditary; Tumor predisposition. Identifiers: Orphanet 140162, MedGen C0027672, MeSH D009386, MONDO:0015356.

gnomAD v4.1: 3 of 1,614,106 alleles (0.00019%); highest among the groups gnomAD compares: South Asian, 0.0033%; no homozygotes.

Submission:

Ambry Genetics
Classification: Uncertain significance for Hereditary cancer-predisposing syndrome. Last evaluated: 2025-08-21. Review status: criteria provided, single submitter. Criteria: Ambry Variant Classification Scheme 2023. Collection method: clinical testing. Allele origin: germline.
Comment: The c.1414C>A variant (also known as p.R472R), located in coding exon 6 of the ALK gene, results from a C to A substitution at nucleotide position 1414. This nucleotide substitution does not change the amino acid at codon 472. This nucleotide position is poorly conserved in available vertebrate species. In silico splice site analysis for this alteration is inconclusive. This change occurs in the last base pair of coding exon 6, which makes it likely to have some effect on normal mRNA splicing. However, loss of function of ALK has not been established as a mechanism of disease. Based on the available evidence, the clinical significance of this alteration remains unclear.

NM_004304.5(ALK):c.1414C>A (p.Arg472=)

Gene: ALK (ALK receptor tyrosine kinase; minus strand). Cytogenetic location: 2p23.2.
Variant type: single nucleotide variant.
Coding change: c.1414C>A on transcript NM_004304.5 (MANE Select); coding-DNA position 1414, C replaced by A.
Protein change: p.Arg472=; no amino-acid change (arginine 472 retained).
Molecular consequence: synonymous variant.
Genome position (GRCh38, 1-based): chr2:29,328,350, G>T on the plus strand (C>A on the coding strand, the complement: ALK is on the minus strand). VCF-style: chr2-29328350-G-T. GRCh37 (hg19) VCF-style: chr2-29551216-G-T.
Identifiers: ClinVar variation 4271244 (VCV004271244.1).